The following is an entry in ClinVar:

ClinVar aggregate classification (germline): Uncertain significance (1 of 4 stars; one submission).

Submission:

Labcorp Genetics (formerly Invitae), Labcorp
Classification: Uncertain significance. Last evaluated: 2024-07-19. Review status: criteria provided, single submitter. Criteria: Invitae Variant Classification Sherloc (09022015). Collection method: clinical testing. Allele origin: germline.
Comment: This sequence change replaces glycine, which is neutral and non-polar, with alanine, which is neutral and non-polar, at codon 608 of the ALPK3 protein (p.Gly608Ala). This variant is not present in population databases (gnomAD no frequency). This variant has not been reported in the literature in individuals affected with ALPK3-related conditions. An algorithm developed to predict the effect of missense changes on protein structure and function outputs the following: PolyPhen-2: "Benign". The alanine amino acid residue is found in multiple mammalian species, which suggests that this missense change does not adversely affect protein function. In summary, the available evidence is currently insufficient to determine the role of this variant in disease. Therefore, it has been classified as a Variant of Uncertain Significance.

NM_020778.5(ALPK3):c.1217G>C (p.Gly406Ala)

Gene: ALPK3 (alpha kinase 3; plus strand). Cytogenetic location: 15q25.3.
Variant type: single nucleotide variant.
Coding change: c.1217G>C on transcript NM_020778.5 (MANE Select); coding-DNA position 1217, G replaced by C.
Protein change: p.Gly406Ala; replaces glycine 406 with alanine.
Molecular consequence: missense variant.
Genome position (GRCh38, 1-based): chr15:84,840,496, G>C. VCF-style: chr15-84840496-G-C. GRCh37 (hg19) VCF-style: chr15-85383727-G-C.
Other names: short protein forms G406A.
Identifiers: ClinVar variation 3659853 (VCV003659853.2).